The following is an entry in ClinVar:

ClinVar aggregate classification (germline): Likely benign. Review status: criteria provided, multiple submitters, no conflicts (2 of 4 stars). 3 submissions from 3 submitters: Likely benign (3). Last evaluated 2023-01-01.

Allele frequency attached by ClinVar (database versions not stated): 1000 Genomes Project 30x 0.00141; 1000 Genomes Project 0.00160; TOPMed 0.00189; gnomAD 0.00195 and 0.00196; gnomAD exomes 0.00205; ExAC 0.00221; ESP Exome Variant Server 0.00246.
gnomAD v4.1: 4,029 of 1,610,076 alleles (0.25%); highest among the groups gnomAD compares: Middle Eastern, 0.37%; 12 homozygotes.

Submissions (3):

CeGaT Center for Human Genetics Tuebingen
Classification: Likely benign. Last evaluated: 2023-01-01. Review status: criteria provided, single submitter. Criteria: CeGaT Center For Human Genetics Tuebingen Variant Classification Criteria Version 2. Collection method: clinical testing. Allele origin: germline. Affected: yes. Observed: 1 variant allele.
Comment: MYBBP1A: BP4, BS2

Labcorp Genetics (formerly Invitae), Labcorp
Classification: Likely benign. Last evaluated: 2018-07-09. Review status: criteria provided, single submitter. Criteria: Invitae Variant Classification Sherloc (09022015). Collection method: clinical testing. Allele origin: germline.

Breakthrough Genomics
Classification: Likely benign. Review status: criteria provided, single submitter. Criteria: ACMG Guidelines, 2015. Collection method: not provided. Allele origin: germline. Inheritance: Unknown mechanism. Affected: yes.

NM_014520.4(MYBBP1A):c.3317C>T (p.Thr1106Met)

Gene: MYBBP1A (MYB binding protein 1a; minus strand). Cytogenetic location: 17p13.2.
Variant type: single nucleotide variant.
Coding change: c.3317C>T on transcript NM_014520.4 (MANE Select); coding-DNA position 3317, C replaced by T.
Protein change: p.Thr1106Met; replaces threonine 1106 with methionine.
Molecular consequence: missense variant.
Genome position (GRCh38, 1-based): chr17:4,540,465, G>A on the plus strand (C>T on the coding strand, the complement: MYBBP1A is on the minus strand). VCF-style: chr17-4540465-G-A. GRCh37 (hg19) VCF-style: chr17-4443760-G-A.
Other names: c.3317C>T, p.Thr1106Met (NM_001105538.2); short protein forms T1106M.
Identifiers: ClinVar variation 787565 (VCV000787565.28), dbSNP rs142989122, ClinGen allele CA8304086.